The following is an entry in ClinVar:

ClinVar aggregate classification (germline): Uncertain significance (1 of 4 stars; one submission).

Conditions:
Hereditary spastic paraplegia 31. Also called: SPASTIC PARAPLEGIA 31, AUTOSOMAL DOMINANT. Identifiers: Orphanet 101011, MedGen C1853247, MONDO:0012453, OMIM 610250.

Submission:

Labcorp Genetics (formerly Invitae), Labcorp
Classification: Uncertain significance for Hereditary spastic paraplegia 31. Last evaluated: 2025-05-18. Review status: criteria provided, single submitter. Criteria: Invitae Variant Classification Sherloc (09022015). Collection method: clinical testing. Allele origin: germline.
Comment: This sequence change creates a premature translational stop signal (p.Arg160Glyfs*26) in the REEP1 gene. While this is not anticipated to result in nonsense mediated decay, it is expected to disrupt the last 42 amino acid(s) of the REEP1 protein. This variant is not present in population databases (gnomAD no frequency). This variant has not been reported in the literature in individuals affected with REEP1-related conditions. ClinVar contains an entry for this variant (Variation ID: 1037174). Experimental studies and prediction algorithms are not available or were not evaluated, and the functional significance of this variant is currently unknown. This variant disrupts a region of the REEP1 protein in which other variant(s) (p.Gly183Ser) have been observed in individuals with REEP1-related conditions (PMID: 30373780; internal data). This suggests that this is a clinically significant region of the protein, and that variants that disrupt it are likely to be disease-causing. In summary, the available evidence is currently insufficient to determine the role of this variant in disease. Therefore, it has been classified as a Variant of Uncertain Significance.

Literature cited by the submitters: PubMed 30373780.

NM_001371279.1(REEP1):c.478_479del (p.Arg160fs)

Gene: REEP1 (receptor accessory protein 1; minus strand). Cytogenetic location: 2p11.2.
Variant type: Deletion.
Coding change: c.478_479del on transcript NM_001371279.1 (MANE Select); coding-DNA positions 478 to 479, 2 bases deleted (AG; older notation c.478_479delAG).
Protein change: p.Arg160fs; shifts the reading frame from arginine 160.
Molecular consequence: frameshift variant. On other transcripts: intron variant (1).
Genome position (GRCh38, 1-based): chr2:86,232,741-86,232,742, CT deleted on the plus strand (AG on the coding strand, the reverse complement: REEP1 is on the minus strand). VCF-style (leftmost placement, unchanged base first): chr2-86232740-CCT-C. GRCh37 (hg19) VCF-style: chr2-86459863-CCT-C.
Other names: c.499_500del, p.Arg167fs (NM_001164730.2); c.397_398del, p.Arg133fs (NM_001164731.2); c.243_244del, p.Glu83fs (NM_001164732.2); c.478_479del, p.Arg160fs (NM_022912.3); c.418-15632_418-15631del (NM_001371280.1); short protein forms R133fs, R167fs, E83fs, R160fs.
Identifiers: ClinVar variation 1037174 (VCV001037174.8), dbSNP rs1675100341, ClinGen allele CA1267133901.